The following is an entry in ClinVar:

NM_004260.4(RECQL4):c.2287G>A (p.Gly763Ser)

Gene: RECQL4 (RecQ like helicase 4; minus strand). Cytogenetic location: 8q24.3.
Variant type: single nucleotide variant.
Coding change: c.2287G>A on transcript NM_004260.4 (MANE Select); coding-DNA position 2287, G replaced by A.
Protein change: p.Gly763Ser; replaces glycine 763 with serine.
Molecular consequence: missense variant. On other transcripts: non-coding transcript variant (3), intron variant (3).
Genome position (GRCh38, 1-based): chr8:144,513,394, C>T on the plus strand (G>A on the coding strand, the complement: RECQL4 is on the minus strand). VCF-style: chr8-144513394-C-T. GRCh37 (hg19) VCF-style: chr8-145738778-C-T.
Other names: c.2287G>A, p.Gly763Ser (NM_001413019.1, NM_001413036.1); c.1150G>A, p.Gly384Ser (NM_001413030.1, NM_001413032.1, NM_001413027.1 and 1 more transcripts); c.1018G>A, p.Gly340Ser (NM_001413031.1); c.2155G>A, p.Gly719Ser (NM_001413033.1); c.1216G>A, p.Gly406Ser (NM_001413034.1, NM_001413035.1, NM_001413040.1 and 5 more transcripts); c.1084G>A, p.Gly362Ser (NM_001413037.1); c.2257G>A, p.Gly753Ser (NM_001413039.1); c.2191G>A, p.Gly731Ser (NM_001413020.1); and 8 more; short protein forms G384S, G406S, G646S, G396S, G719S, G720S, G753S, G274S.
Identifiers: ClinVar variation 2714918 (VCV002714918.4), dbSNP rs1827626824, ClinGen allele CA372678416.

ClinVar aggregate classification (germline): Uncertain significance. Review status: criteria provided, multiple submitters, no conflicts (2 of 4 stars). 2 submissions from 2 submitters: Uncertain significance (2). Last evaluated 2026-06-15.

Conditions:
Baller-Gerold syndrome (BGS). Also called: CRANIOSYNOSTOSIS WITH RADIAL DEFECTS. Identifiers: Orphanet 1225, MedGen C0265308, MONDO:0009039, OMIM 218600.
Inborn genetic diseases. Identifiers: MedGen C0950123, MeSH D030342.

gnomAD v4.1: 2 of 1,608,556 alleles (0.00012%); highest among the groups gnomAD compares: Non-Finnish European, 0.00017%; no homozygotes.

Submissions (2):

Ambry Genetics
Classification: Uncertain significance for Inborn genetic diseases. Last evaluated: 2026-06-15. Review status: criteria provided, single submitter. Criteria: Ambry Variant Classification Scheme 2023. Collection method: clinical testing. Allele origin: germline.
Comment: The p.G763S variant (also known as c.2287G>A), located in coding exon 14 of the RECQL4 gene, results from a G to A substitution at nucleotide position 2287. The glycine at codon 763 is replaced by serine, an amino acid with similar properties. This amino acid position is conserved. In addition, this alteration is predicted to be deleterious by in silico analysis. Based on the available evidence, the clinical significance of this variant remains unclear.

Labcorp Genetics (formerly Invitae), Labcorp
Classification: Uncertain significance for Baller-Gerold syndrome. Last evaluated: 2023-06-20. Review status: criteria provided, single submitter. Criteria: Invitae Variant Classification Sherloc (09022015). Collection method: clinical testing. Allele origin: germline.
Comment: This sequence change replaces glycine, which is neutral and non-polar, with serine, which is neutral and polar, at codon 763 of the RECQL4 protein (p.Gly763Ser). This variant is not present in population databases (gnomAD no frequency). This variant has not been reported in the literature in individuals affected with RECQL4-related conditions. Advanced modeling of protein sequence and biophysical properties (such as structural, functional, and spatial information, amino acid conservation, physicochemical variation, residue mobility, and thermodynamic stability) has been performed at Invitae for this missense variant, however the output from this modeling did not meet the statistical confidence thresholds required to predict the impact of this variant on RECQL4 protein function. In summary, the available evidence is currently insufficient to determine the role of this variant in disease. Therefore, it has been classified as a Variant of Uncertain Significance.